The following is an entry in ClinVar:

NM_172351.3(CD46):c.871A>G (p.Thr291Ala)

Gene: CD46 (CD46 molecule; plus strand). Cytogenetic location: 1q32.2.
Variant type: single nucleotide variant.
Coding change: c.871A>G on transcript NM_172351.3 (MANE Select); coding-DNA position 871, A replaced by G.
Protein change: p.Thr291Ala; replaces threonine 291 with alanine.
Molecular consequence: missense variant. On other transcripts: intron variant (5).
Genome position (GRCh38, 1-based): chr1:207,767,793, A>G. VCF-style: chr1-207767793-A-G. GRCh37 (hg19) VCF-style: chr1-207941138-A-G.
Other names: c.916A>G, p.Thr306Ala (NM_002389.4, NM_172359.3); c.871A>G, p.Thr291Ala (NM_153826.4, NM_172355.3, NM_172356.3 and 1 more transcripts); c.856+598A>G (NM_172352.3, NM_172353.3, NM_172350.3 and 2 more transcripts); short protein forms T291A, T306A.
Identifiers: ClinVar variation 1718389 (VCV001718389.5), dbSNP rs2526541973, ClinGen allele CA344551315.

ClinVar aggregate classification (germline): Uncertain significance (1 of 4 stars; one submission).

Allele frequency attached by ClinVar (database versions not stated): gnomAD exomes below 0.00001.
gnomAD v4.1: 4 of 1,613,032 alleles (0.00025%); highest among the groups gnomAD compares: Middle Eastern, 0.033%; 1 homozygote.

Submission:

Labcorp Genetics (formerly Invitae), Labcorp
Classification: Uncertain significance. Last evaluated: 2022-08-30. Review status: criteria provided, single submitter. Criteria: Invitae Variant Classification Sherloc (09022015). Collection method: clinical testing. Allele origin: germline.
Comment: This sequence change replaces threonine, which is neutral and polar, with alanine, which is neutral and non-polar, at codon 306 of the CD46 protein (p.Thr306Ala). This variant is not present in population databases (gnomAD no frequency). This variant has not been reported in the literature in individuals affected with CD46-related conditions. Algorithms developed to predict the effect of missense changes on protein structure and function (SIFT, PolyPhen-2, Align-GVGD) all suggest that this variant is likely to be tolerated. In summary, the available evidence is currently insufficient to determine the role of this variant in disease. Therefore, it has been classified as a Variant of Uncertain Significance.